The following is an entry in ClinVar:

ClinVar aggregate classification (germline): Benign. Review status: criteria provided, multiple submitters, no conflicts (2 of 4 stars). 4 submissions from 4 submitters: Benign (3). 1 of the submissions does not count toward it. Last evaluated 2026-02-02.

Conditions:
ZSWIM6-related disorder. Also called: ZSWIM6-related condition.

Submissions (4):

Labcorp Genetics (formerly Invitae), Labcorp
Classification: Benign. Last evaluated: 2026-02-02. Review status: criteria provided, single submitter. Criteria: Invitae Variant Classification Sherloc (09022015). Collection method: clinical testing. Allele origin: germline.

Laboratory of Genetics, Children's Clinical University Hospital Latvia
Classification: Benign. Last evaluated: 2025-02-16. Review status: criteria provided, single submitter. Criteria: ACMG Guidelines, 2015. Collection method: clinical testing. Allele origin: germline. Affected: yes.

GeneDx
Classification: Benign. Last evaluated: 2020-09-03. Review status: criteria provided, single submitter. Criteria: GeneDx Variant Classification Process June 2021. Collection method: clinical testing. Allele origin: germline. Affected: yes.

PreventionGenetics, part of Exact Sciences
Classification: Benign for ZSWIM6-related condition. Last evaluated: 2023-02-08. Review status: no assertion criteria provided. Collection method: clinical testing. Allele origin: germline. Not counted in ClinVar's aggregate classification.
Comment: This variant is classified as benign based on ACMG/AMP sequence variant interpretation guidelines (Richards et al. 2015 PMID: 25741868, with internal and published modifications).

NM_020928.2(ZSWIM6):c.57CGG[7] (p.Gly26dup)

Gene: ZSWIM6 (zinc finger SWIM-type containing 6; plus strand). Cytogenetic location: 5q12.1.
Variant type: Microsatellite.
Coding change: c.57CGG[7] on transcript NM_020928.2 (MANE Select); seven copies in a row of the 3-base unit CGG starting at c.57; the reference has six copies in a row; one copy, 3 bases duplicated.
Protein change: p.Gly26dup; duplicates glycine 26.
Molecular consequence: inframe insertion.
Genome position (GRCh38, 1-based): chr5:61,332,344-61,332,346, CGG duplicated; duplicating any 3 consecutive bases within chr5:61,332,327-61,332,346 gives the same sequence; the position shown is the placement nearest the transcript's 3' end. VCF-style (leftmost placement, unchanged base first): chr5-61332326-G-GGGC. GRCh37 (hg19) VCF-style: chr5-60628153-G-GGGC.
Other names: c.72_74dupCGG (NM_020928.1).
Identifiers: ClinVar variation 1257965 (VCV001257965.14), dbSNP rs565100893, ClinGen allele CA3278275.